The following is an entry in ClinVar:

ClinVar aggregate classification (germline): Pathogenic. Review status: criteria provided, multiple submitters, no conflicts (2 of 4 stars). 2 submissions from 2 submitters: Pathogenic (2). Last evaluated 2026-01-17.

Conditions:
Hereditary fructosuria. Also called: Hereditary fructose intolerance; Fructose intolerance; ALDOB DEFICIENCY; ALDOLASE B DEFICIENCY; FRUCTOSE-1,6-BISPHOSPHATE ALDOLASE B DEFICIENCY; FRUCTOSE-1-PHOSPHATE ALDOLASE DEFICIENCY. Identifiers: Orphanet 469, MedGen C0016751, MONDO:0009249, OMIM 229600, HP:0005973. Disease mechanism: loss of function.

Submissions (2):

Myriad Genetics, Inc.
Classification: Pathogenic for Hereditary fructosuria. Last evaluated: 2026-01-17. Review status: criteria provided, single submitter. Criteria: Myriad Autosomal Dominant, Autosomal Recessive and X-Linked Classification Criteria (2023). Collection method: clinical testing. Allele origin: unknown.
Comment: NM_000035.3(ALDOB):c.136delA(R46Gfs*32) is expected to be pathogenic in the context of hereditary fructose intolerance. This variant is predicted to lead to an abnormal or absent protein product due to the creation of a premature termination codon in ALDOB, a gene where loss-of-function variants are known to be pathogenic. Please note: this variant was assessed in the context of healthy population screening.

Labcorp Genetics (formerly Invitae), Labcorp
Classification: Pathogenic for Hereditary fructosuria. Last evaluated: 2024-01-04. Review status: criteria provided, single submitter. Criteria: Invitae Variant Classification Sherloc (09022015). Collection method: clinical testing. Allele origin: germline.
Comment: This sequence change creates a premature translational stop signal (p.Arg46Glyfs*32) in the ALDOB gene. It is expected to result in an absent or disrupted protein product. Loss-of-function variants in ALDOB are known to be pathogenic (PMID: 18541450). This variant is not present in population databases (gnomAD no frequency). This variant has not been reported in the literature in individuals affected with ALDOB-related conditions. For these reasons, this variant has been classified as Pathogenic.

Literature cited by the submitters: PubMed 18541450 (cited by Labcorp Genetics (formerly Invitae), Labcorp).

NM_000035.4(ALDOB):c.136del (p.Arg46fs)

Gene: ALDOB (aldolase, fructose-bisphosphate B; minus strand). Cytogenetic location: 9q31.1.
Variant type: Deletion.
Coding change: c.136del on transcript NM_000035.4 (MANE Select); coding-DNA position 136, one base deleted (A; older notation c.136delA).
Protein change: p.Arg46fs; shifts the reading frame from arginine 46.
Molecular consequence: frameshift variant.
Genome position (GRCh38, 1-based): chr9:101,429,943, T deleted on the plus strand (A on the coding strand, the reverse complement: ALDOB is on the minus strand). VCF-style (leftmost placement, unchanged base first): chr9-101429942-CT-C. GRCh37 (hg19) VCF-style: chr9-104192224-CT-C.
Other names: short protein forms R46fs.
Identifiers: ClinVar variation 2707586 (VCV002707586.4), dbSNP rs2490129062, ClinGen allele CA2697557928.